The following is an entry in ClinVar:

NM_003200.5(TCF3):c.474_475delinsTT (p.Arg159Trp)

Gene: TCF3 (transcription factor 3; minus strand). Cytogenetic location: 19p13.3.
Variant type: Indel.
Coding change: c.474_475delinsTT on transcript NM_003200.5 (MANE Select); coding-DNA positions 474 to 475, GC replaced by TT.
Protein change: p.Arg159Trp; replaces arginine 159 with tryptophan.
Molecular consequence: missense variant.
Genome position (GRCh38, 1-based): chr19:1,625,600-1,625,601, GC replaced by AA on the plus strand (GC replaced by TT on the coding strand, the reverse complement: TCF3 is on the minus strand). VCF-style: chr19-1625600-GC-AA. GRCh37 (hg19) VCF-style: chr19-1625599-GC-AA.
Other names: c.474_475delinsTT, p.Arg159Trp (NM_001136139.4, NM_001351778.2, NM_001351779.2); short protein forms R159W.
Identifiers: ClinVar variation 3644030 (VCV003644030.2).
Genomic context (GRCh38, chr19:1,625,600, plus strand): 5'-CAGAAGCCCCCGATGCCCCGGCCAGACCCCGCTCACCTAGGCTGCCGTCTGCCGCTCTCC[GC>AA]CGGGAGCTGCCGGAGTAGGAGGGGTAGTACTGGGAGGTCCCCTTCATGCCCGAAGGGGAC-3'
Protein context (NP_003191.1, residues 149-169): YYPSYSGSSR[Arg159Trp]RAADGSLDTQ

ClinVar aggregate classification (germline): Uncertain significance (1 of 4 stars; one submission).

Submission:

Labcorp Genetics (formerly Invitae), Labcorp
Classification: Uncertain significance. Last evaluated: 2024-03-01. Review status: criteria provided, single submitter. Criteria: Invitae Variant Classification Sherloc (09022015). Collection method: clinical testing. Allele origin: germline.
Comment: This sequence change replaces arginine, which is basic and polar, with tryptophan, which is neutral and slightly polar, at codon 159 of the TCF3 protein (p.Arg159Trp). Information on the frequency of this variant in the gnomAD database is not available, as this variant may be reported differently in the database. This variant has not been reported in the literature in individuals affected with TCF3-related conditions. Experimental studies and prediction algorithms are not available or were not evaluated, and the functional significance of this variant is currently unknown. In summary, the available evidence is currently insufficient to determine the role of this variant in disease. Therefore, it has been classified as a Variant of Uncertain Significance.